The following is an entry in ClinVar:

ClinVar aggregate classification (germline): Uncertain significance (1 of 4 stars; one submission).

Conditions:
Primary ciliary dyskinesia 6. Also called: Primary Ciliary Dyskinesia 6: TXNDC3-Related Primary Ciliary Dyskinesia. Identifiers: Orphanet 244, MedGen C1970506, MONDO:0012571, OMIM 610852.

gnomAD v4.1: 1 of 1,613,362 alleles (0.000062%); highest among the groups gnomAD compares: African/African-American, 0.0013%; no homozygotes.

Submission:

Labcorp Genetics (formerly Invitae), Labcorp
Classification: Uncertain significance for Primary ciliary dyskinesia 6. Last evaluated: 2025-02-12. Review status: criteria provided, single submitter. Criteria: Invitae Variant Classification Sherloc (09022015). Collection method: clinical testing. Allele origin: germline.
Comment: This sequence change replaces glycine, which is neutral and non-polar, with serine, which is neutral and polar, at codon 393 of the NME8 protein (p.Gly393Ser). This variant is present in population databases (no rsID available, gnomAD 0.01%). This variant has not been reported in the literature in individuals affected with NME8-related conditions. Invitae Evidence Modeling of protein sequence and biophysical properties (such as structural, functional, and spatial information, amino acid conservation, physicochemical variation, residue mobility, and thermodynamic stability) indicates that this missense variant is not expected to disrupt NME8 protein function with a negative predictive value of 80%. In summary, the available evidence is currently insufficient to determine the role of this variant in disease. Therefore, it has been classified as a Variant of Uncertain Significance.

NM_016616.5(NME8):c.1177G>A (p.Gly393Ser)

Gene: NME8 (NME/NM23 family member 8; plus strand). Cytogenetic location: 7p14.1.
Variant type: single nucleotide variant.
Coding change: c.1177G>A on transcript NM_016616.5 (MANE Select); coding-DNA position 1177, G replaced by A.
Protein change: p.Gly393Ser; replaces glycine 393 with serine.
Molecular consequence: missense variant.
Genome position (GRCh38, 1-based): chr7:37,885,182, G>A. VCF-style: chr7-37885182-G-A. GRCh37 (hg19) VCF-style: chr7-37924784-G-A.
Other names: short protein forms G393S.
Identifiers: ClinVar variation 4803920 (VCV004803920.1).